The following is an entry in ClinVar:

ClinVar aggregate classification (germline): Uncertain significance. Review status: criteria provided, multiple submitters, no conflicts (2 of 4 stars). 2 submissions from 2 submitters: Uncertain significance (2). Last evaluated 2026-05-19.

Conditions:
Inborn genetic diseases. Identifiers: MedGen C0950123, MeSH D030342.

Allele frequency attached by ClinVar (database versions not stated): ESP Exome Variant Server 0.00008; TOPMed 0.00001; gnomAD exomes 0.00002; ExAC 0.00001; gnomAD 0.00001.
gnomAD v4.1: 34 of 1,610,068 alleles (0.0021%); highest among the groups gnomAD compares: Non-Finnish European, 0.0025%; no homozygotes.

Submissions (2):

Ambry Genetics
Classification: Uncertain significance for Inborn genetic diseases. Last evaluated: 2026-05-19. Review status: criteria provided, single submitter. Criteria: Ambry Variant Classification Scheme 2023. Collection method: clinical testing. Allele origin: germline.
Comment: The c.2765G>A (p.S922N) alteration is located in exon 19 (coding exon 19) of the MPDZ gene. This alteration results from a G to A substitution at nucleotide position 2765, causing the serine (S) at amino acid position 922 to be replaced by an asparagine (N). Based on data from gnomAD, the A allele has an overall frequency of 0.002% (4/273588) total alleles studied. The highest observed frequency was 0.008% (2/23720) of African alleles. Based on insufficient or conflicting evidence, the clinical significance of this alteration remains unclear.

Labcorp Genetics (formerly Invitae), Labcorp
Classification: Uncertain significance. Last evaluated: 2024-01-29. Review status: criteria provided, single submitter. Criteria: Invitae Variant Classification Sherloc (09022015). Collection method: clinical testing. Allele origin: germline.
Comment: This sequence change replaces serine, which is neutral and polar, with asparagine, which is neutral and polar, at codon 922 of the MPDZ protein (p.Ser922Asn). This variant is present in population databases (rs376238499, gnomAD 0.008%). This variant has not been reported in the literature in individuals affected with MPDZ-related conditions. Algorithms developed to predict the effect of missense changes on protein structure and function output the following: SIFT: "Not Available"; PolyPhen-2: "Benign"; Align-GVGD: "Not Available". The asparagine amino acid residue is found in multiple mammalian species, which suggests that this missense change does not adversely affect protein function. In summary, the available evidence is currently insufficient to determine the role of this variant in disease. Therefore, it has been classified as a Variant of Uncertain Significance.

NM_001378778.1(MPDZ):c.2765G>A (p.Ser922Asn)

Gene: MPDZ (multiple PDZ domain crumbs cell polarity complex component; minus strand). Cytogenetic location: 9p23.
Variant type: single nucleotide variant.
Coding change: c.2765G>A on transcript NM_001378778.1 (MANE Select); coding-DNA position 2765, G replaced by A.
Protein change: p.Ser922Asn; replaces serine 922 with asparagine.
Molecular consequence: missense variant.
Genome position (GRCh38, 1-based): chr9:13,176,302, C>T on the plus strand (G>A on the coding strand, the complement: MPDZ is on the minus strand). VCF-style: chr9-13176302-C-T. GRCh37 (hg19) VCF-style: chr9-13176301-C-T.
Other names: c.2765G>A, p.Ser922Asn (NM_001375423.1, NM_001375424.1, NM_001375425.1 and 14 more transcripts); c.2765G>A (NM_003829.3); short protein forms S922N.
Identifiers: ClinVar variation 2785431 (VCV002785431.4), dbSNP rs376238499, ClinGen allele CA4987364.